The following is an entry in ClinVar:

ClinVar aggregate classification (germline): Pathogenic (1 of 4 stars; one submission).

Conditions:
Intellectual developmental disorder with language impairment and early-onset DOPA-responsive dystonia-parkinsonism (IDLDP). Identifiers: Orphanet 660017, MedGen C5677001, MONDO:0859257, OMIM 619911.

Submission:

Center Lab, King Abdulaziz University
Classification: Pathogenic for Intellectual developmental disorder with language impairment and early-onset DOPA-responsive dystonia-parkinsonism. Last evaluated: 2024-08-06. Review status: criteria provided, single submitter. Criteria: ACMG Guidelines, 2015. Collection method: clinical testing. Allele origin: de novo. Inheritance: Autosomal dominant inheritance. Affected: yes. Observed: 4 variant alleles, 3 heterozygotes, 1 compound heterozygote. Clinical features observed: Global developmental delay (HP:0001263), Absent speech (HP:0001344), Anxiety (HP:0000739), Sleep disturbance (HP:0002360), Feeding difficulties (HP:0011968).
Comment: The NM_006186.4(NR4A2):c.1del (p.Met1Cysfs*35) variant causes a frameshift, start lost, splice region change involving the alteration of a conserved nucleotide. The variant was absent in control chromosomes in GnomAD project. Splice prediction tools predict no significant impact on normal splicing. Variant got 10 ACMG points: 10P and 0B. Criteria applied: PVS1, PM6, PM2.

Literature cited by the submitters: PubMed 38440907.

NM_006186.4(NR4A2):c.1del (p.Met1fs)

Gene: NR4A2 (nuclear receptor subfamily 4 group A member 2; minus strand). Cytogenetic location: 2q24.1.
Variant type: Deletion.
Coding change: c.1del on transcript NM_006186.4 (MANE Select); coding-DNA position 1, one base deleted (A; older notation c.1delA).
Protein change: p.Met1fs; shifts the reading frame from methionine 1.
Molecular consequence: frameshift variant, initiator codon variant. On other transcripts: intron variant (1).
Genome position (GRCh38, 1-based): chr2:156,330,186, T deleted on the plus strand (A on the coding strand, the reverse complement: NR4A2 is on the minus strand). VCF-style (leftmost placement, unchanged base first): chr2-156330185-AT-A. GRCh37 (hg19) VCF-style: chr2-157186697-AT-A.
Other names: HZF-3; NOT; NURR1; RNR1; TINUR; c.-13-176del (NM_173173.3); short protein forms M1fs.
Identifiers: ClinVar variation 3338025 (VCV003338025.2).